The following is an entry in ClinVar:

ClinVar aggregate classification (germline): Uncertain significance (1 of 4 stars; one submission).

Conditions:
Mucopolysaccharidosis, MPS-III-B (MPS3B). Also called: N-ACETYL-ALPHA-D-GLUCOSAMINIDASE DEFICIENCY; NAGLU DEFICIENCY; SANFILIPPO SYNDROME B; MPS III B; Mucopolysaccharidosis type IIIB (Sanfilippo B); MPS IIIB (Sanfilippo Syndrome Type B). Identifiers: Orphanet 79270, MedGen C0086648, MONDO:0009656, OMIM 252920.
Charcot-Marie-Tooth disease axonal type 2V. Also called: CHARCOT-MARIE-TOOTH NEUROPATHY, TYPE 2V; CHARCOT-MARIE-TOOTH DISEASE, AXONAL, AUTOSOMAL DOMINANT, TYPE 2V. Identifiers: Orphanet 447964, MedGen C5569050, MONDO:0014665, OMIM 616491.

Submission:

Labcorp Genetics (formerly Invitae), Labcorp
Classification: Uncertain significance for Charcot-Marie-Tooth disease axonal type 2V; Mucopolysaccharidosis, MPS-III-B. Last evaluated: 2022-09-27. Review status: criteria provided, single submitter. Criteria: Invitae Variant Classification Sherloc (09022015). Collection method: clinical testing. Allele origin: germline.
Comment: This sequence change replaces leucine, which is neutral and non-polar, with arginine, which is basic and polar, at codon 40 of the NAGLU protein (p.Leu40Arg). This variant is not present in population databases (gnomAD no frequency). This variant has not been reported in the literature in individuals affected with NAGLU-related conditions. Advanced modeling of protein sequence and biophysical properties (such as structural, functional, and spatial information, amino acid conservation, physicochemical variation, residue mobility, and thermodynamic stability) performed at Invitae indicates that this missense variant is expected to disrupt NAGLU protein function. In summary, the available evidence is currently insufficient to determine the role of this variant in disease. Therefore, it has been classified as a Variant of Uncertain Significance.

NM_000263.4(NAGLU):c.119T>G (p.Leu40Arg)

Genes: NAGLU (N-acetyl-alpha-glucosaminidase; plus strand), LOC130060903 (ATAC-STARR-seq lymphoblastoid silent region 8533; plus strand). Cytogenetic location: 17q21.2.
Variant type: single nucleotide variant.
Coding change: c.119T>G on transcript NM_000263.4 (MANE Select); coding-DNA position 119, T replaced by G.
Protein change: p.Leu40Arg; replaces leucine 40 with arginine.
Molecular consequence: missense variant.
Genome position (GRCh38, 1-based): chr17:42,536,391, T>G. VCF-style: chr17-42536391-T-G. GRCh37 (hg19) VCF-style: chr17-40688409-T-G.
Other names: short protein forms L40R.
Identifiers: ClinVar variation 2040904 (VCV002040904.1), dbSNP rs2510649903, ClinGen allele CA399595347.